The following is an entry in ClinVar:

NM_001165963.4(SCN1A):c.3965G>C (p.Arg1322Thr)

Genes: SCN1A (sodium voltage-gated channel alpha subunit 1; minus strand), LOC102724058 (uncharacterized LOC102724058; plus strand). Cytogenetic location: 2q24.3.
Variant type: single nucleotide variant.
Coding change: c.3965G>C on transcript NM_001165963.4 (MANE Select); coding-DNA position 3965, G replaced by C.
Protein change: p.Arg1322Thr; replaces arginine 1322 with threonine.
Molecular consequence: missense variant. On other transcripts: non-coding transcript variant (1).
Genome position (GRCh38, 1-based): chr2:166,009,756, C>G on the plus strand (G>C on the coding strand, the complement: SCN1A is on the minus strand). VCF-style: chr2-166009756-C-G. GRCh37 (hg19) VCF-style: chr2-166866266-C-G.
Other names: c.3881G>C, p.Arg1294Thr (NM_001165964.3, NM_001353957.2, NM_001353958.2); c.3965G>C, p.Arg1322Thr (NM_001202435.3, NM_001353948.2); c.3932G>C, p.Arg1311Thr (NM_001353949.2, NM_001353950.2, NM_001353951.2 and 2 more transcripts); c.3929G>C, p.Arg1310Thr (NM_001353954.2, NM_001353955.2); c.3878G>C, p.Arg1293Thr (NM_001353960.2); c.1523G>C, p.Arg508Thr (NM_001353961.2); short protein forms R1294T, R1322T, R1311T, R1293T, R508T, R1310T.
Identifiers: ClinVar variation 1458265 (VCV001458265.9), dbSNP rs2105569996, ClinGen allele CA349053051.
Genomic context (GRCh38, chr2:166,009,756, plus strand): 5'-TCAGGTTCTTTCATTTTTCTTACCCTCATCCCTTCAAATCGAGATAAGGCTCTTAGAGGT[C>G]TCAGAGCTCTTAGTGTCCTGAGAGATTTGATGGCTCCAAGTTCTGAGTAACCCAAGGCAT-3'
Protein context (NP_001159435.1, residues 1312-1332): IKSLRTLRAL[Arg1322Thr]PLRALSRFEG

ClinVar aggregate classification (germline): Pathogenic. Review status: criteria provided, multiple submitters, no conflicts (2 of 4 stars). 2 submissions from 2 submitters: Pathogenic (2). Last evaluated 2026-08-20.

Conditions:
Early-infantile DEE. Also called: Early infantile epileptic encephalopathy with suppression bursts; Early infantile epileptic encephalopathy; Ohtahara syndrome. Identifiers: Orphanet 1934, MedGen C0393706, MONDO:0800491.

Submissions (2):

GeneDx
Classification: Pathogenic. Last evaluated: 2026-08-20. Review status: criteria provided, single submitter. Criteria: GeneDx Variant Classification Process June 2021. Collection method: clinical testing. Allele origin: germline.
Comment: Not observed at significant frequency in large population cohorts (gnomAD); In silico analysis supports that this missense variant has a deleterious effect on protein structure/function; This variant is associated with the following publications: (PMID: 27541642)

Labcorp Genetics (formerly Invitae), Labcorp
Classification: Pathogenic for Early-infantile DEE. Last evaluated: 2023-05-22. Review status: criteria provided, single submitter. Criteria: Invitae Variant Classification Sherloc (09022015). Collection method: clinical testing. Allele origin: germline.
Comment: Advanced modeling of protein sequence and biophysical properties (such as structural, functional, and spatial information, amino acid conservation, physicochemical variation, residue mobility, and thermodynamic stability) performed at Invitae indicates that this missense variant is expected to disrupt SCN1A protein function. For these reasons, this variant has been classified as Pathogenic. ClinVar contains an entry for this variant (Variation ID: 1458265). This missense change has been observed in individual(s) with SCN1A-related conditions (PMID: 27541642). In at least one individual the variant was observed to be de novo. This variant is not present in population databases (gnomAD no frequency). This sequence change replaces arginine, which is basic and polar, with threonine, which is neutral and polar, at codon 1322 of the SCN1A protein (p.Arg1322Thr).

Literature cited by the submitters: PubMed 27541642 (cited by Labcorp Genetics (formerly Invitae), Labcorp).